The following is an entry in ClinVar:

NM_018941.4(CLN8):c.766C>T (p.Gln256Ter)

Gene: CLN8 (CLN8 transmembrane ER and ERGIC protein; plus strand). Cytogenetic location: 8p23.3.
Variant type: single nucleotide variant.
Coding change: c.766C>T on transcript NM_018941.4 (MANE Select); coding-DNA position 766, C replaced by T.
Protein change: p.Gln256Ter; replaces glutamine 256 with a stop codon.
Molecular consequence: nonsense.
Genome position (GRCh38, 1-based): chr8:1,780,472, C>T. VCF-style: chr8-1780472-C-T. GRCh37 (hg19) VCF-style: chr8-1728638-C-T.
Other names: short protein forms Q256*.
Identifiers: ClinVar variation 1958204 (VCV001958204.5), dbSNP rs386834138, ClinGen allele CA369954282.
Genomic context (GRCh38, chr8:1,780,472, plus strand): 5'-GTCGGACTGGCTCTGCTTACGCTAATCATTAATCCATATTGGACCCATAAGAAGACTCAG[C>T]AGCTTCTCAATCCGGTGGACTGGAACTTCGCACAGCCAGAAGCCAAGAGCAGGCCAGAAG-3'

ClinVar aggregate classification (germline): Pathogenic (1 of 4 stars; one submission).

Conditions:
Neuronal ceroid lipofuscinosis. Also called: Neuronal Ceroid Lipofuscinoses. Identifiers: Orphanet 216, Orphanet 79263, MedGen C0027877, MONDO:0016295. Disease mechanism: loss of function.

Allele frequency attached by ClinVar (database versions not stated): TOPMed below 0.00001; gnomAD 0.00001.
gnomAD v4.1: 4 of 1,614,104 alleles (0.00025%); highest among the groups gnomAD compares: Non-Finnish European, 0.00034%; no homozygotes.

Submission:

Labcorp Genetics (formerly Invitae), Labcorp
Classification: Pathogenic for Neuronal ceroid lipofuscinosis. Last evaluated: 2022-06-18. Review status: criteria provided, single submitter. Criteria: Invitae Variant Classification Sherloc (09022015). Collection method: clinical testing. Allele origin: germline.
Comment: For these reasons, this variant has been classified as Pathogenic. This variant disrupts a region of the CLN8 protein in which other variant(s) (p.Trp263Cys)) have been determined to be pathogenic (PMID: 15024724). This suggests that this is a clinically significant region of the protein, and that variants that disrupt it are likely to be disease-causing. Experimental studies and prediction algorithms are not available or were not evaluated, and the functional significance of this variant is currently unknown. This variant has not been reported in the literature in individuals affected with CLN8-related conditions. This variant is not present in population databases (gnomAD no frequency). This sequence change creates a premature translational stop signal (p.Gln256*) in the CLN8 gene. While this is not anticipated to result in nonsense mediated decay, it is expected to disrupt the last 31 amino acid(s) of the CLN8 protein.

Literature cited by the submitters: PubMed 15024724.